The following is an entry in ClinVar:

NM_001312909.2(FAM111A):c.1361T>C (p.Met454Thr)

Gene: FAM111A (FAM111 trypsin like peptidase A; plus strand). Cytogenetic location: 11q12.1.
Variant type: single nucleotide variant.
Coding change: c.1361T>C on transcript NM_001312909.2 (MANE Select); coding-DNA position 1361, T replaced by C.
Protein change: p.Met454Thr; replaces methionine 454 with threonine.
Molecular consequence: missense variant.
Genome position (GRCh38, 1-based): chr11:59,153,029, T>C. VCF-style: chr11-59153029-T-C. GRCh37 (hg19) VCF-style: chr11-58920502-T-C.
Other names: c.1361T>C (NM_001142520.1); c.1361T>C, p.Met454Thr (NM_001142519.3, NM_001142520.3, NM_001142521.3 and 29 more transcripts); short protein forms M454T.
Identifiers: ClinVar variation 2905402 (VCV002905402.4), dbSNP rs757426077, ClinGen allele CA6016758.

ClinVar aggregate classification (germline): Uncertain significance. Review status: criteria provided, multiple submitters, no conflicts (2 of 4 stars). 2 submissions from 2 submitters: Uncertain significance (2). Last evaluated 2025-03-26.

Conditions:
Inborn genetic diseases. Identifiers: MedGen C0950123, MeSH D030342.

Allele frequency attached by ClinVar (database versions not stated): gnomAD exomes 0.00004; TOPMed 0.00004; ExAC 0.00001; gnomAD 0.00004.
gnomAD v4.1: 69 of 1,614,046 alleles (0.0043%); highest among the groups gnomAD compares: Non-Finnish European, 0.0053%; no homozygotes.

Submissions (2):

Labcorp Genetics (formerly Invitae), Labcorp
Classification: Uncertain significance. Last evaluated: 2025-03-26. Review status: criteria provided, single submitter. Criteria: Invitae Variant Classification Sherloc (09022015). Collection method: clinical testing. Allele origin: germline.
Comment: This sequence change replaces methionine, which is neutral and non-polar, with threonine, which is neutral and polar, at codon 454 of the FAM111A protein (p.Met454Thr). This variant is present in population databases (rs757426077, gnomAD 0.004%). This variant has not been reported in the literature in individuals affected with FAM111A-related conditions. ClinVar contains an entry for this variant (Variation ID: 2905402). Invitae Evidence Modeling of protein sequence and biophysical properties (such as structural, functional, and spatial information, amino acid conservation, physicochemical variation, residue mobility, and thermodynamic stability) indicates that this missense variant is not expected to disrupt FAM111A protein function with a negative predictive value of 80%. In summary, the available evidence is currently insufficient to determine the role of this variant in disease. Therefore, it has been classified as a Variant of Uncertain Significance.

Ambry Genetics
Classification: Uncertain significance for Inborn genetic diseases. Last evaluated: 2024-03-19. Review status: criteria provided, single submitter. Criteria: Ambry Variant Classification Scheme 2023. Collection method: clinical testing. Allele origin: germline.